The following is an entry in ClinVar:

ClinVar aggregate classification (germline): Uncertain significance (1 of 4 stars; one submission).

Conditions:
Candidiasis, familial, 9 (CANDF9). Identifiers: Orphanet 1334, MedGen C4225324, MONDO:0014642, OMIM 616445.

Submission:

Labcorp Genetics (formerly Invitae), Labcorp
Classification: Uncertain significance for Candidiasis, familial, 9. Last evaluated: 2025-02-03. Review status: criteria provided, single submitter. Criteria: Invitae Variant Classification Sherloc (09022015). Collection method: clinical testing. Allele origin: germline.
Comment: This sequence change replaces arginine, which is basic and polar, with serine, which is neutral and polar, at codon 623 of the IL17RC protein (p.Arg623Ser). This variant is not present in population databases (gnomAD no frequency). This variant has not been reported in the literature in individuals affected with IL17RC-related conditions. An algorithm developed to predict the effect of missense changes on protein structure and function (PolyPhen-2) suggests that this variant is likely to be disruptive. In summary, the available evidence is currently insufficient to determine the role of this variant in disease. Therefore, it has been classified as a Variant of Uncertain Significance.

NM_153460.4(IL17RC):c.1654C>A (p.Arg552Ser)

Gene: IL17RC (interleukin 17 receptor C; plus strand). Cytogenetic location: 3p25.3.
Variant type: single nucleotide variant.
Coding change: c.1654C>A on transcript NM_153460.4 (MANE Select); coding-DNA position 1654, C replaced by A.
Protein change: p.Arg552Ser; replaces arginine 552 with serine.
Molecular consequence: missense variant. On other transcripts: non-coding transcript variant (1).
Genome position (GRCh38, 1-based): chr3:9,933,084, C>A. VCF-style: chr3-9933084-C-A. GRCh37 (hg19) VCF-style: chr3-9974768-C-A.
Other names: c.1615C>A, p.Arg539Ser (NM_001203263.2); c.1564C>A, p.Arg522Ser (NM_001203264.2); c.1558C>A, p.Arg520Ser (NM_001203265.2); c.1576C>A, p.Arg526Ser (NM_001367278.1); c.1495C>A, p.Arg499Ser (NM_001367279.1); c.1570C>A, p.Arg524Ser (NM_001367280.1); c.1519C>A, p.Arg507Ser (NM_001410711.1); c.1609C>A, p.Arg537Ser (NM_032732.6); and 1 more; short protein forms R552S, R520S, R623S, R507S, R499S, R522S, R524S, R526S.
Identifiers: ClinVar variation 4760590 (VCV004760590.1).